The following is an entry in ClinVar:

NM_015512.5(DNAH1):c.11885C>T (p.Thr3962Met)

Gene: DNAH1 (dynein axonemal heavy chain 1; plus strand). Cytogenetic location: 3p21.1.
Variant type: single nucleotide variant.
Coding change: c.11885C>T on transcript NM_015512.5 (MANE Select); coding-DNA position 11885, C replaced by T.
Protein change: p.Thr3962Met; replaces threonine 3962 with methionine.
Molecular consequence: missense variant.
Genome position (GRCh38, 1-based): chr3:52,397,804, C>T. VCF-style: chr3-52397804-C-T. GRCh37 (hg19) VCF-style: chr3-52431820-C-T.
Other names: short protein forms T3962M.
Identifiers: ClinVar variation 4988341 (VCV004988341.1).
Genomic context (GRCh38, chr3:52,397,804, plus strand): 5'-ATATGCCTGAGATCTTTGGCCTGCATGACAATGCCAACATCACCTTTGCCCAGAACGAGA[C>T]GTTCGCCCTCCTGGGCACCATCATCCAGCTGCAACCCAAATCATCTTCTGCAGGCAGCCA-3'
Protein context (NP_056327.4, residues 3952-3972): NANITFAQNE[Thr3962Met]FALLGTIIQL

ClinVar aggregate classification (germline): Uncertain significance (1 of 4 stars; one submission).

Conditions:
DNAH1-related disorder. Also called: DNAH1-related condition.

gnomAD v4.1: 19 of 1,613,634 alleles (0.0012%); highest among the groups gnomAD compares: South Asian, 0.0077%; no homozygotes.

Submission:

PreventionGenetics, part of Exact Sciences
Classification: Uncertain significance for DNAH1-related condition. Last evaluated: 2025-02-19. Review status: criteria provided, single submitter. Criteria: ACMG Guidelines, 2015. Collection method: clinical testing. Allele origin: germline.
Comment: The DNAH1 c.11885C>T variant is predicted to result in the amino acid substitution p.Thr3962Met. To our knowledge, this variant has not been reported in the literature. This variant is reported in 0.0065% of alleles in individuals of South Asian descent in gnomAD. At this time, the clinical significance of this variant is uncertain due to the absence of conclusive functional and genetic evidence.